The following is an entry in ClinVar:

ClinVar aggregate classification (germline): Uncertain significance (1 of 4 stars; one submission).

Submission:

GeneDx
Classification: Uncertain significance. Last evaluated: 2023-12-09. Review status: criteria provided, single submitter. Criteria: GeneDx Variant Classification Process June 2021. Collection method: clinical testing. Allele origin: germline. Affected: yes.
Comment: Not observed at significant frequency in large population cohorts (gnomAD); In silico analysis supports that this missense variant has a deleterious effect on protein structure/function; Has not been previously published as pathogenic or benign to our knowledge

NM_001394998.1(TANC2):c.4580C>T (p.Pro1527Leu)

Gene: TANC2 (tetratricopeptide repeat, ankyrin repeat and coiled-coil containing 2; plus strand). Cytogenetic location: 17q23.3.
Variant type: single nucleotide variant.
Coding change: c.4580C>T on transcript NM_001394998.1 (MANE Select); coding-DNA position 4580, C replaced by T.
Protein change: p.Pro1527Leu; replaces proline 1527 with leucine.
Molecular consequence: missense variant.
Genome position (GRCh38, 1-based): chr17:63,420,310, C>T. VCF-style: chr17-63420310-C-T. GRCh37 (hg19) VCF-style: chr17-61497671-C-T.
Other names: c.4358C>T, p.Pro1453Leu (NM_001411076.1); c.4328C>T, p.Pro1443Leu (NM_025185.4); short protein forms P1443L, P1453L, P1527L.
Identifiers: ClinVar variation 3364985 (VCV003364985.1).